The following is an entry in ClinVar:

NM_004304.5(ALK):c.4576G>C (p.Glu1526Gln)

Gene: ALK (ALK receptor tyrosine kinase; minus strand). Cytogenetic location: 2p23.2.
Variant type: single nucleotide variant.
Coding change: c.4576G>C on transcript NM_004304.5 (MANE Select); coding-DNA position 4576, G replaced by C.
Protein change: p.Glu1526Gln; replaces glutamic acid 1526 with glutamine.
Molecular consequence: missense variant.
Genome position (GRCh38, 1-based): chr2:29,193,511, C>G on the plus strand (G>C on the coding strand, the complement: ALK is on the minus strand). VCF-style: chr2-29193511-C-G. GRCh37 (hg19) VCF-style: chr2-29416377-C-G.
Other names: c.1372G>C, p.Glu458Gln (NM_001353765.2); short protein forms E458Q, E1526Q.
Identifiers: ClinVar variation 5034815 (VCV005034815.1).

ClinVar aggregate classification (germline): Uncertain significance (1 of 4 stars; one submission).

Conditions:
Hereditary cancer-predisposing syndrome. Also called: Hereditary Cancer Syndrome; Neoplastic Syndromes, Hereditary; Tumor predisposition; Hereditary neoplastic syndrome. Identifiers: Orphanet 140162, MedGen C0027672, MeSH D009386, MONDO:0015356.

gnomAD v4.1: 3 of 1,614,030 alleles (0.00019%); highest among the groups gnomAD compares: African/African-American, 0.0027%; no homozygotes.

Submission:

Ambry Genetics
Classification: Uncertain significance for Hereditary cancer-predisposing syndrome. Last evaluated: 2026-08-15. Review status: criteria provided, single submitter. Criteria: Ambry Variant Classification Scheme 2023. Collection method: clinical testing. Allele origin: germline.
Comment: The p.E1526Q variant (also known as c.4576G>C), located in coding exon 29 of the ALK gene, results from a G to C substitution at nucleotide position 4576. The glutamic acid at codon 1526 is replaced by glutamine, an amino acid with highly similar properties. This amino acid position is conserved. In addition, this alteration is predicted to be tolerated by in silico analysis. Based on the available evidence, the clinical significance of this variant remains unclear.